The following is an entry in ClinVar:

NM_000489.6(ATRX):c.815C>G (p.Pro272Arg)

Gene: ATRX (ATRX chromatin remodeler; minus strand). Cytogenetic location: Xq21.1.
Variant type: single nucleotide variant.
Coding change: c.815C>G on transcript NM_000489.6 (MANE Select); coding-DNA position 815, C replaced by G.
Protein change: p.Pro272Arg; replaces proline 272 with arginine.
Molecular consequence: missense variant.
Genome position (GRCh38, 1-based): chrX:77,684,441, G>C on the plus strand (C>G on the coding strand, the complement: ATRX is on the minus strand). VCF-style: chrX-77684441-G-C. GRCh37 (hg19) VCF-style: chrX-76939933-G-C.
Other names: c.701C>G, p.Pro234Arg (NM_138270.5); short protein forms P234R, P272R.
Identifiers: ClinVar variation 1503580 (VCV001503580.3), dbSNP rs782487127, ClinGen allele CA10458260.

ClinVar aggregate classification (germline): Uncertain significance (1 of 4 stars; one submission).

Conditions:
Alpha thalassemia-X-linked intellectual disability syndrome (ATRX). Also called: X-linked alpha-thalassemia-mental retardation syndrome; ALPHA-THALASSEMIA/IMPAIRED INTELLECTUAL DEVELOPMENT SYNDROME, X-LINKED; ALPHA-THALASSEMIA/MENTAL RETARDATION SYNDROME, X-LINKED; ATR, NONDELETION TYPE; ATR-X syndrome; Alpha thalassemia mental retardation syndrome, nondeletion type, X-linked. Identifiers: Orphanet 847, MedGen C1845055, MONDO:0010519, OMIM 301040.

Allele frequency attached by ClinVar (database versions not stated): TOPMed below 0.00001; ExAC 0.00003; gnomAD exomes 0.00001.
gnomAD v4.1: 3 of 1,211,427 alleles (0.00025%); highest among the groups gnomAD compares: Non-Finnish European, 0.00022%; no homozygotes.

Submission:

Labcorp Genetics (formerly Invitae), Labcorp
Classification: Uncertain significance for Alpha thalassemia-X-linked intellectual disability syndrome. Last evaluated: 2021-11-15. Review status: criteria provided, single submitter. Criteria: Invitae Variant Classification Sherloc (09022015). Collection method: clinical testing. Allele origin: germline.
Comment: This sequence change replaces proline, which is neutral and non-polar, with arginine, which is basic and polar, at codon 272 of the ATRX protein (p.Pro272Arg). This variant is present in population databases (rs782487127, gnomAD 0.004%). This variant has not been reported in the literature in individuals affected with ATRX-related conditions. Advanced modeling of protein sequence and biophysical properties (such as structural, functional, and spatial information, amino acid conservation, physicochemical variation, residue mobility, and thermodynamic stability) performed at Invitae indicates that this missense variant is expected to disrupt ATRX protein function. In summary, the available evidence is currently insufficient to determine the role of this variant in disease. Therefore, it has been classified as a Variant of Uncertain Significance.